The following is an entry in ClinVar:

ClinVar aggregate classification (germline): Uncertain significance (1 of 4 stars; one submission).

Conditions:
Ataxia-telangiectasia syndrome (AT). Also called: Cerebello-oculocutaneous telangiectasia; Immunodeficiency with ataxia telangiectasia; Ataxia-telangiectasia, complementation group E; Ataxia-telangiectasia, complementation group D; AT, COMPLEMENTATION GROUP C; ATAXIA-TELANGIECTASIA, COMPLEMENTATION GROUP A. Identifiers: Orphanet 100, MedGen C0004135, MONDO:0008840, OMIM 208900.

Submission:

Labcorp Genetics (formerly Invitae), Labcorp
Classification: Uncertain significance for Ataxia-telangiectasia syndrome. Last evaluated: 2020-10-05. Review status: criteria provided, single submitter. Criteria: Invitae Variant Classification Sherloc (09022015). Collection method: clinical testing. Allele origin: germline.
Comment: This sequence change replaces glutamic acid with aspartic acid at codon 2120 of the ATM protein (p.Glu2120Asp). The glutamic acid residue is weakly conserved and there is a small physicochemical difference between glutamic acid and aspartic acid. This variant is not present in population databases (ExAC no frequency). This variant has not been reported in the literature in individuals with ATM-related disease. Algorithms developed to predict the effect of missense changes on protein structure and function (SIFT, PolyPhen-2, Align-GVGD) all suggest that this variant is likely to be tolerated, but these predictions have not been confirmed by published functional studies and their clinical significance is uncertain. In summary, the available evidence is currently insufficient to determine the role of this variant in disease. Therefore, it has been classified as a Variant of Uncertain Significance.

NM_000051.4(ATM):c.6360A>T (p.Glu2120Asp)

Genes: C11orf65 (chromosome 11 open reading frame 65; minus strand), ATM (ATM serine/threonine kinase; plus strand). Cytogenetic location: 11q22.3.
Variant type: single nucleotide variant.
Coding change: c.6360A>T on transcript NM_000051.4 (MANE Select); coding-DNA position 6360, A replaced by T.
Protein change: p.Glu2120Asp; replaces glutamic acid 2120 with aspartic acid.
Molecular consequence: missense variant. On other transcripts: intron variant (2).
Genome position (GRCh38, 1-based): chr11:108,319,966, A>T. VCF-style: chr11-108319966-A-T. GRCh37 (hg19) VCF-style: chr11-108190693-A-T.
Other names: c.6360A>T, p.Glu2120Asp (NM_001351834.2); c.641-10895T>A (NM_001330368.2); c.*39-10895T>A (NM_001351110.2); short protein forms E2120D.
Identifiers: ClinVar variation 579494 (VCV000579494.9), dbSNP rs1565508657, ClinGen allele CA382553193.